The following is an entry in ClinVar:

NM_003824.4(FADD):c.571G>A (p.Gly191Arg)

Gene: FADD (Fas associated via death domain; plus strand). Cytogenetic location: 11q13.3.
Variant type: single nucleotide variant.
Coding change: c.571G>A on transcript NM_003824.4 (MANE Select); coding-DNA position 571, G replaced by A.
Protein change: p.Gly191Arg; replaces glycine 191 with arginine.
Molecular consequence: missense variant.
Genome position (GRCh38, 1-based): chr11:70,206,417, G>A. VCF-style: chr11-70206417-G-A. GRCh37 (hg19) VCF-style: chr11-70052523-G-A.
Other names: short protein forms G191R.
Identifiers: ClinVar variation 3653656 (VCV003653656.2).

ClinVar aggregate classification (germline): Uncertain significance (1 of 4 stars; one submission).

Conditions:
FADD-related immunodeficiency. Also called: Infections, recurrent, with encephalopathy, hepatic dysfunction, and cardiovascular malformations; FADD DEFICIENCY. Identifiers: Orphanet 306550, MedGen C3151062, MONDO:0013408, OMIM 613759.

Submission:

Labcorp Genetics (formerly Invitae), Labcorp
Classification: Uncertain significance for FADD-related immunodeficiency. Last evaluated: 2024-05-16. Review status: criteria provided, single submitter. Criteria: Invitae Variant Classification Sherloc (09022015). Collection method: clinical testing. Allele origin: germline.
Comment: This sequence change replaces glycine, which is neutral and non-polar, with arginine, which is basic and polar, at codon 191 of the FADD protein (p.Gly191Arg). This variant is not present in population databases (gnomAD no frequency). This variant has not been reported in the literature in individuals affected with FADD-related conditions. An algorithm developed to predict the effect of missense changes on protein structure and function (PolyPhen-2) suggests that this variant is likely to be tolerated. In summary, the available evidence is currently insufficient to determine the role of this variant in disease. Therefore, it has been classified as a Variant of Uncertain Significance.